The following is an entry in ClinVar:

ClinVar aggregate classification (germline): Benign/Likely benign. Review status: criteria provided, multiple submitters, no conflicts (2 of 4 stars). 4 submissions from 4 submitters: Benign (1); Likely benign (3). Last evaluated 2026-10-01.

Conditions:
Neonatal-onset encephalopathy with rigidity and seizures. Also called: Lethal neonatal spasticity-epileptic encephalopathy syndrome. Identifiers: Orphanet 435845, MedGen C3281029, MONDO:0013784, OMIM 614498.

Allele frequency attached by ClinVar (database versions not stated): gnomAD 0.00003; TOPMed 0.00012; ExAC 0.00027; gnomAD exomes 0.00033.
gnomAD v4.1: 86 of 1,611,994 alleles (0.0053%); highest among the groups gnomAD compares: Admixed American, 0.14%; no homozygotes.

Submissions (4):

CeGaT Center for Human Genetics Tuebingen
Classification: Likely benign. Last evaluated: 2026-10-01. Review status: criteria provided, single submitter. Criteria: CeGaT Center For Human Genetics Tuebingen Variant Classification Criteria Version 2. Collection method: clinical testing. Allele origin: germline. Affected: yes. Observed: 1 variant allele.
Comment: BRAT1: BP4, BP7

Labcorp Genetics (formerly Invitae), Labcorp
Classification: Benign for Neonatal-onset encephalopathy with rigidity and seizures. Last evaluated: 2026-01-19. Review status: criteria provided, single submitter. Criteria: Invitae Variant Classification Sherloc (09022015). Collection method: clinical testing. Allele origin: germline.

Mayo Clinic Laboratories, Mayo Clinic
Classification: Likely benign. Last evaluated: 2025-08-01. Review status: criteria provided, single submitter. Criteria: ACMG Guidelines, 2015. Collection method: clinical testing. Allele origin: germline. Observed: 1 variant allele.
Comment: BS1, BP4, BP7

GeneDx
Classification: Likely benign. Last evaluated: 2020-11-20. Review status: criteria provided, single submitter. Criteria: GeneDx Variant Classification Process June 2021. Collection method: clinical testing. Allele origin: germline. Affected: yes.

NM_152743.4(BRAT1):c.2052A>G (p.Pro684=)

Gene: BRAT1 (BRCA1 associated ATM activator 1; minus strand). Cytogenetic location: 7p22.3.
Variant type: single nucleotide variant.
Coding change: c.2052A>G on transcript NM_152743.4 (MANE Select); coding-DNA position 2052, A replaced by G.
Protein change: p.Pro684=; no amino-acid change (proline 684 retained).
Molecular consequence: synonymous variant. On other transcripts: non-coding transcript variant (1).
Genome position (GRCh38, 1-based): chr7:2,538,483, T>C on the plus strand (A>G on the coding strand, the complement: BRAT1 is on the minus strand). VCF-style: chr7-2538483-T-C. GRCh37 (hg19) VCF-style: chr7-2578117-T-C.
Other names: p.Pro684=; c.2232A>G, p.Pro744= (NM_001350626.2); c.1527A>G, p.Pro509= (NM_001350627.2).
Identifiers: ClinVar variation 472958 (VCV000472958.16), dbSNP rs775271322, ClinGen allele CA4127473.